The following is an entry in ClinVar:

ClinVar aggregate classification (germline): Likely benign (1 of 4 stars; one submission).

Conditions:
SEMA3B-related disorder. Also called: SEMA3B-related condition.

gnomAD v4.1: 2 of 1,613,854 alleles (0.00012%); highest among the groups gnomAD compares: Non-Finnish European, 0.00017%; no homozygotes.

Submission:

PreventionGenetics, part of Exact Sciences
Classification: Likely benign for SEMA3B-related condition. Last evaluated: 2026-06-23. Review status: criteria provided, single submitter. Criteria: ACMG Guidelines, 2015. Collection method: clinical testing. Allele origin: germline.
Comment: This variant is classified as likely benign based on ACMG/AMP sequence variant interpretation guidelines (Richards et al. 2015 PMID: 25741868, with internal and published modifications).

NM_001290060.2(SEMA3B):c.1080G>A (p.Gly360=)

Gene: SEMA3B (semaphorin 3B; plus strand). Cytogenetic location: 3p21.31.
Variant type: single nucleotide variant.
Coding change: c.1080G>A on transcript NM_001290060.2 (MANE Select); coding-DNA position 1080, G replaced by A.
Protein change: p.Gly360=; no amino-acid change (glycine 360 retained).
Molecular consequence: synonymous variant.
Genome position (GRCh38, 1-based): chr3:50,274,000, G>A. VCF-style: chr3-50274000-G-A. GRCh37 (hg19) VCF-style: chr3-50311431-G-A.
Other names: c.1077G>A, p.Gly359= (NM_001005914.3, NM_001435957.1, NM_001435958.1); c.1095G>A, p.Gly365= (NM_001290061.1); c.51G>A, p.Gly17= (NM_001290062.2, NM_001290063.2); c.1080G>A, p.Gly360= (NM_001435956.1, NM_004636.4).
Identifiers: ClinVar variation 4992679 (VCV004992679.1).
Genomic context (GRCh38, chr3:50,274,000, plus strand): 5'-CGTGTACAGCATGAACGACGTGCGCCGGGCCTTCTTGGGACCCTTTGCACACAAGGAGGG[G>A]CCCATGCACCAGTGGGTGTCATACCAGGGTCGCGTCCCCTACCCGCGGCCAGGCATGGTT-3'
Protein context (NP_001276989.1, residues 350-370): AFLGPFAHKE[Gly360=]PMHQWVSYQG